The following is an entry in ClinVar:

ClinVar aggregate classification (germline): Uncertain significance (1 of 4 stars; one submission).

Conditions:
Arrhythmogenic right ventricular dysplasia 11. Also called: ARRHYTHMOGENIC RIGHT VENTRICULAR DYSPLASIA, FAMILIAL, 11; Arrhythmogenic Right Ventricular Dysplasia/Cardiomyopathy11; Arrhythmogenic right ventricular dysplasia 11 with mild palmoplantar keratoderma and woolly hair. Identifiers: MedGen C1864850, MONDO:0012506, OMIM 610476.

Allele frequency attached by ClinVar (database versions not stated): gnomAD 0.00001.
gnomAD v4.1: 1 of 1,613,358 alleles (0.000062%); highest among the groups gnomAD compares: Non-Finnish European, 0.000085%; no homozygotes.

Submission:

Labcorp Genetics (formerly Invitae), Labcorp
Classification: Uncertain significance for Arrhythmogenic right ventricular dysplasia 11. Last evaluated: 2023-12-22. Review status: criteria provided, single submitter. Criteria: Invitae Variant Classification Sherloc (09022015). Collection method: clinical testing. Allele origin: germline.
Comment: This sequence change affects codon 708 of the DSC2 mRNA. It is a 'silent' change, meaning that it does not change the encoded amino acid sequence of the DSC2 protein. It affects a nucleotide within the consensus splice site. This variant is present in population databases (no rsID available, gnomAD 0.007%). This variant has not been reported in the literature in individuals affected with DSC2-related conditions. Algorithms developed to predict the effect of sequence changes on RNA splicing suggest that this variant is not likely to affect RNA splicing. In summary, the available evidence is currently insufficient to determine the role of this variant in disease. Therefore, it has been classified as a Variant of Uncertain Significance.

NM_024422.6(DSC2):c.2124T>C (p.Phe708=)

Gene: DSC2 (desmocollin 2; minus strand). Cytogenetic location: 18q12.1.
Variant type: single nucleotide variant.
Coding change: c.2124T>C on transcript NM_024422.6 (MANE Select); coding-DNA position 2124, T replaced by C.
Protein change: p.Phe708=; no amino-acid change (phenylalanine 708 retained).
Molecular consequence: synonymous variant.
Genome position (GRCh38, 1-based): chr18:31,071,606, A>G on the plus strand (T>C on the coding strand, the complement: DSC2 is on the minus strand). VCF-style: chr18-31071606-A-G. GRCh37 (hg19) VCF-style: chr18-28651572-A-G.
Other names: c.1695T>C, p.Phe565= (NM_001406506.1, NM_001406507.1); c.2124T>C, p.Phe708= (NM_004949.5).
Identifiers: ClinVar variation 2872938 (VCV002872938.3), dbSNP rs1376132075, ClinGen allele CA503527620.
Genomic context (GRCh38, chr18:31,071,606, plus strand): 5'-TGTCTTGAAAGTTACTTTAAAGGGTATTATTTGAATTCAAGAAAGGACTTAAGACTTACA[A>G]AAGAGCAATGCTATGCCCAACAATATTGCAAGGATGGCCCACTTTCCAAGTTGTACTCCT-3'
Protein context (NP_077740.1, residues 698-718): LAILLGIALL[Phe708=]CILFTLVCGA